The following is an entry in ClinVar:

ClinVar aggregate classification (germline): Likely benign. Review status: criteria provided, multiple submitters, no conflicts (2 of 4 stars). 3 submissions from 3 submitters: Likely benign (3). Last evaluated 2025-03-22.

Allele frequency attached by ClinVar (database versions not stated): gnomAD exomes 0.00003; gnomAD 0.00004; TOPMed 0.00006; ExAC 0.00007.
gnomAD v4.1: 48 of 1,614,044 alleles (0.003%); highest among the groups gnomAD compares: East Asian, 0.047%; no homozygotes.

Submissions (3):

Labcorp Genetics (formerly Invitae), Labcorp
Classification: Likely benign. Last evaluated: 2025-03-22. Review status: criteria provided, single submitter. Criteria: Invitae Variant Classification Sherloc (09022015). Collection method: clinical testing. Allele origin: germline.

CeGaT Center for Human Genetics Tuebingen
Classification: Likely benign. Last evaluated: 2024-04-01. Review status: criteria provided, single submitter. Criteria: CeGaT Center For Human Genetics Tuebingen Variant Classification Criteria Version 2. Collection method: clinical testing. Allele origin: germline. Affected: yes. Observed: 1 variant allele.
Comment: UCHL1: BP4, BP7

Blueprint Genetics
Classification: Likely benign. Last evaluated: 2022-12-20. Review status: criteria provided, single submitter. Criteria: ACMG Guidelines, 2015. Collection method: clinical testing. Allele origin: germline.

NM_004181.5(UCHL1):c.501C>T (p.Asn167=)

Gene: UCHL1 (ubiquitin C-terminal hydrolase L1; plus strand). Cytogenetic location: 4p13.
Variant type: single nucleotide variant.
Coding change: c.501C>T on transcript NM_004181.5 (MANE Select); coding-DNA position 501, C replaced by T.
Protein change: p.Asn167=; no amino-acid change (asparagine 167 retained).
Molecular consequence: synonymous variant.
Genome position (GRCh38, 1-based): chr4:41,263,266, C>T. VCF-style: chr4-41263266-C-T. GRCh37 (hg19) VCF-style: chr4-41265283-C-T.
Identifiers: ClinVar variation 3234414 (VCV003234414.23), dbSNP rs745473963, ClinGen allele CA2900053.
Genomic context (GRCh38, chr4:41,263,266, plus strand): 5'-ATTTCTTGACTTTCTTTAGGTAGATGACAAGGTGAATTTCCATTTTATTCTGTTTAACAA[C>T]GTGGATGGCCACCTCTATGAACTTGGTATGTTTTACTCCATTTTTGGAACCCAGTGTAGT-3'
Protein context (NP_004172.2, residues 157-177): KVNFHFILFN[Asn167=]VDGHLYELDG